The following is an entry in ClinVar:

NM_025215.6(PUS1):c.1033C>T (p.Gln345Ter)

Gene: PUS1 (pseudouridine synthase 1; plus strand). Cytogenetic location: 12q24.33.
Variant type: single nucleotide variant.
Coding change: c.1033C>T on transcript NM_025215.6 (MANE Select); coding-DNA position 1033, C replaced by T.
Protein change: p.Gln345Ter; replaces glutamine 345 with a stop codon.
Molecular consequence: nonsense.
Genome position (GRCh38, 1-based): chr12:131,941,780, C>T. VCF-style: chr12-131941780-C-T. GRCh37 (hg19) VCF-style: chr12-132426325-C-T.
Other names: c.949C>T, p.Gln317Ter (NM_001002019.3, NM_001002020.3); short protein forms Q317*, Q345*.
Identifiers: ClinVar variation 4816247 (VCV004816247.1).

ClinVar aggregate classification (germline): Likely pathogenic (1 of 4 stars; one submission).

Conditions:
Myopathy, lactic acidosis, and sideroblastic anemia. Also called: Mitochondrial myopathy and sideroblastic anemia; Myopathy with lactic acidosis and sideroblastic anemia. Identifiers: Orphanet 2598, MedGen C1838103, MONDO:0000863.

gnomAD v4.1: 3 of 1,613,540 alleles (0.00019%); highest among the groups gnomAD compares: Non-Finnish European, 0.00025%; no homozygotes.

Submission:

Natera, Inc.
Classification: Likely pathogenic for Mitochondrial myopathy and sideroblastic anemia. Last evaluated: 2025-11-05. Review status: criteria provided, single submitter. Criteria: Natera Variant Classification Schema (03/2026). Collection method: clinical testing. Allele origin: germline.
Comment: The c.1033C>T variant in PUS1 is a nonsense variant predicted to introduce a stop codon at amino acid 345. This variant is expected to result in nonsense mediated decay, truncation, or a dysfunctional protein product. This variant is rare in the general population with a frequency below the threshold expected for the associated phenotype(s). Given the available evidence, this variant is classified as Likely Pathogenic.